The following is an entry in ClinVar:

NM_004369.4(COL6A3):c.6619G>A (p.Gly2207Arg)

Gene: COL6A3 (collagen type VI alpha 3 chain; minus strand). Cytogenetic location: 2q37.3.
Variant type: single nucleotide variant.
Coding change: c.6619G>A on transcript NM_004369.4 (MANE Select); coding-DNA position 6619, G replaced by A.
Protein change: p.Gly2207Arg; replaces glycine 2207 with arginine.
Molecular consequence: missense variant.
Genome position (GRCh38, 1-based): chr2:237,354,907, C>T on the plus strand (G>A on the coding strand, the complement: COL6A3 is on the minus strand). VCF-style: chr2-237354907-C-T. GRCh37 (hg19) VCF-style: chr2-238263550-C-T.
Other names: p.Gly2207Arg; c.4798G>A, p.Gly1600Arg (NM_057166.5); c.6001G>A, p.Gly2001Arg (NM_057167.4); short protein forms G1600R, G2001R, G2207R.
Identifiers: ClinVar variation 2917788 (VCV002917788.4), dbSNP rs1053994705, ClinGen allele CA67849906.

ClinVar aggregate classification (germline): Uncertain significance. Review status: criteria provided, multiple submitters, no conflicts (2 of 4 stars). 2 submissions from 2 submitters: Uncertain significance (2). Last evaluated 2025-10-13.

Conditions:
Bethlem myopathy 1A. Also called: MYOPATHY, BENIGN CONGENITAL, WITH CONTRACTURES; Bethlem myopathy 1; Bethlem Muscular Dystrophy. Identifiers: Orphanet 610, MedGen CN029274, MONDO:0024530, OMIM 158810.

Allele frequency attached by ClinVar (database versions not stated): TOPMed below 0.00001; gnomAD 0.00001; gnomAD exomes 0.00001.
gnomAD v4.1: 8 of 1,613,576 alleles (0.0005%); highest among the groups gnomAD compares: Non-Finnish European, 0.00068%; no homozygotes.

Submissions (2):

Mayo Clinic Laboratories, Mayo Clinic
Classification: Uncertain significance. Last evaluated: 2025-10-13. Review status: criteria provided, single submitter. Criteria: ACMG Guidelines, 2015. Collection method: clinical testing. Allele origin: germline. Observed: 1 variant allele.
Comment: PP3_strong, PM2_supporting

Labcorp Genetics (formerly Invitae), Labcorp
Classification: Uncertain significance for Bethlem myopathy 1A. Last evaluated: 2023-12-13. Review status: criteria provided, single submitter. Criteria: Invitae Variant Classification Sherloc (09022015). Collection method: clinical testing. Allele origin: germline.
Comment: This sequence change replaces glycine, which is neutral and non-polar, with arginine, which is basic and polar, at codon 2207 of the COL6A3 protein (p.Gly2207Arg). This variant is present in population databases (no rsID available, gnomAD 0.007%). This variant has not been reported in the literature in individuals affected with COL6A3-related conditions. Advanced modeling of protein sequence and biophysical properties (such as structural, functional, and spatial information, amino acid conservation, physicochemical variation, residue mobility, and thermodynamic stability) performed at Invitae indicates that this missense variant is expected to disrupt COL6A3 protein function with a positive predictive value of 80%. This variant disrupts the triple helix domain of COL6A3. Glycine residues within the Gly-Xaa-Yaa repeats of the triple helix domain are required for the structure and stability of fibrillar collagens (PMID: 7695699, 8218237, 19344236). In COL6A3, missense variants at these glycine residues are significantly enriched in individuals with autosomal dominant disease (PMID: 15689448, 24038877) compared to the general population (ExAC). In summary, the available evidence is currently insufficient to determine the role of this variant in disease. Therefore, it has been classified as a Variant of Uncertain Significance.

Literature cited by the submitters: PubMed 7695699 (cited by Labcorp Genetics (formerly Invitae), Labcorp); PubMed 8218237 (cited by Labcorp Genetics (formerly Invitae), Labcorp); PubMed 19344236 (cited by Labcorp Genetics (formerly Invitae), Labcorp); PubMed 15689448 (cited by Labcorp Genetics (formerly Invitae), Labcorp); PubMed 24038877 (cited by Labcorp Genetics (formerly Invitae), Labcorp).